The following is an entry in ClinVar:

ClinVar aggregate classification (germline): Uncertain significance (1 of 4 stars; one submission).

Allele frequency attached by ClinVar (database versions not stated): 1000 Genomes Project 0.00020; ExAC 0.00002; ESP Exome Variant Server 0.00008; gnomAD 0.00011; gnomAD exomes 0.00001; TOPMed 0.00014; 1000 Genomes Project 30x 0.00016.
gnomAD v4.1: 35 of 1,613,734 alleles (0.0022%); highest among the groups gnomAD compares: African/African-American, 0.039%; no homozygotes.

Submission:

GeneDx
Classification: Uncertain significance. Last evaluated: 2025-11-29. Review status: criteria provided, single submitter. Criteria: GeneDx Variant Classification Process June 2021. Collection method: clinical testing. Allele origin: germline.
Comment: Reported de novo with confirmed parentage in an individual with autism spectrum disorder, however this individual harbored several other de novo variants as well (PMID: 25363768); In silico analysis supports that this missense variant has a deleterious effect on protein structure/function; This variant is associated with the following publications: (PMID: 25363768, 31133750, 34011629, 31785789, 35982160, 35982159)

NM_005085.4(NUP214):c.3059G>A (p.Arg1020His)

Gene: NUP214 (nucleoporin 214; plus strand). Cytogenetic location: 9q34.13.
Variant type: single nucleotide variant.
Coding change: c.3059G>A on transcript NM_005085.4 (MANE Select); coding-DNA position 3059, G replaced by A.
Protein change: p.Arg1020His; replaces arginine 1020 with histidine.
Molecular consequence: missense variant.
Genome position (GRCh38, 1-based): chr9:131,174,220, G>A. VCF-style: chr9-131174220-G-A. GRCh37 (hg19) VCF-style: chr9-134049607-G-A.
Other names: c.3029G>A, p.Arg1010His (NM_001318324.2); short protein forms R1010H, R1020H.
Identifiers: ClinVar variation 2502705 (VCV002502705.2), dbSNP rs371504090, ClinGen allele CA5289497.